The following is an entry in ClinVar:

NM_000540.3(RYR1):c.1411C>T (p.Arg471Cys)

Gene: RYR1 (ryanodine receptor 1; plus strand). Cytogenetic location: 19q13.2.
Variant type: single nucleotide variant.
Coding change: c.1411C>T on transcript NM_000540.3 (MANE Select); coding-DNA position 1411, C replaced by T.
Protein change: p.Arg471Cys; replaces arginine 471 with cysteine.
Molecular consequence: missense variant.
Genome position (GRCh38, 1-based): chr19:38,452,985, C>T. VCF-style: chr19-38452985-C-T. GRCh37 (hg19) VCF-style: chr19-38943625-C-T.
Other names: NM_001042723.2:c.1411C>T; c.1411C>T, p.Arg471Cys (NM_001042723.2); short protein forms R471C.
Identifiers: ClinVar variation 1018682 (VCV001018682.12), dbSNP rs1376393998, ClinGen allele CA405686675.

ClinVar aggregate classification (germline): Uncertain significance. Review status: reviewed by expert panel (3 of 4 stars). 4 submissions from 4 submitters: Uncertain significance (1). 3 of the submissions do not count toward it. Last evaluated 2025-08-01.

Conditions:
RYR1-related disorder. Also called: RYR1-related disorders; RYR1-related condition. Identifiers: MedGen CN239331.
Malignant hyperthermia of anesthesia. Also called: Anesthesic-triggered malignant hyperthermia. Identifiers: Orphanet 423, MedGen C0024591, MONDO:0018493, HP:0034733.
Malignant hyperthermia, susceptibility to, 1 (MHS1). Also called: Malignant hyperthermia suceptibility 1; RYR1-Related Malignant Hyperthermia Susceptibility; Anesthesia related hyperthermia; Malignant hyperpyrexia; Fulminating hyperpyrexia; Pharmacogenic myopathy. Identifiers: Orphanet 423, MedGen C2930980, MONDO:0007783, OMIM 145600.

Allele frequency attached by ClinVar (database versions not stated): TOPMed 0.00002.
gnomAD v4.1: 12 of 1,613,840 alleles (0.00074%); highest among the groups gnomAD compares: Non-Finnish European, 0.001%; no homozygotes.

Submissions (4):

ClinGen Malignant Hyperthermia Susceptibility Variant Curation Expert Panel, ClinGen
Classification: Uncertain significance for Malignant hyperthermia of anesthesia. Last evaluated: 2025-08-01. Review status: reviewed by expert panel. Criteria: ClinGen MHS ACMG Specifications V2. Collection method: curation. Allele origin: germline. Inheritance: Autosomal dominant inheritance.
Comment: This pathogenicity assessment is relevant only for malignant hyperthermia susceptibility (MHS) inherited in an autosomal dominant pattern. Variants in RYR1 can also cause other myopathies inherited in an autosomal dominant pattern or in an autosomal recessive pattern. Some of these disorders may predispose individuals to malignant hyperthermia. RYR1 variants may also contribute to a malignant hyperthermia reaction in combination with other genetic and non-genetic factors and the clinician needs to consider such factors in making management decisions. This sequence variant predicts a substitution of arginine with cysteine at codon 471 of the RYR1 protein, p.(Arg471Cys). The maximum allele frequency for this variant among the six major gnomAD populations is NFE: .000009, a frequency consistent with pathogenicity for MHS. This variant has been reported in an individual with a personal or family history of an MH episode and a positive in vitro contracture test (IVCT) or caffeine halothane contracture test (CHCT) result (if the proband was unavailable for testing, a positive diagnostic test result in a mutation-positive relative was counted), (PMID: 1354642). However, the proband was reported to have additional RYR1 variants including a variant classified as pathogenic, p.(Gly248Arg), and while p.(Arg471Cys) did not segregate with MHS in the family, p.(Gly248Arg) did. For these reasons PS4 was not implemented. No functional studies were identified for this variant. This variant resides in a region of RYR1 considered to be a hotspot for pathogenic variants that contribute to MHS, PM1 (PMID: 21118704). A REVEL score of 0.578 supports neither a pathogenic nor a benign status for this variant. This variant has been classified as a Variant of Unknown Significance. Criteria implemented: PM1.

Revvity Omics, Revvity
Classification: Uncertain significance. Last evaluated: 2025-04-21. Review status: criteria provided, single submitter. Criteria: ACMG Guidelines, 2015. Collection method: clinical testing. Allele origin: germline. Not counted in ClinVar's aggregate classification.

Labcorp Genetics (formerly Invitae), Labcorp
Classification: Uncertain significance for RYR1-related disorder. Last evaluated: 2025-03-10. Review status: criteria provided, single submitter. Criteria: Invitae Variant Classification Sherloc (09022015). Collection method: clinical testing. Allele origin: germline. Not counted in ClinVar's aggregate classification.
Comment: This sequence change replaces arginine, which is basic and polar, with cysteine, which is neutral and slightly polar, at codon 471 of the RYR1 protein (p.Arg471Cys). The frequency data for this variant in the population databases is considered unreliable, as metrics indicate poor data quality at this position in the gnomAD database. This missense change has been observed in individual(s) with clinical features of RYR1-related myopathies (PMID: 32236737). ClinVar contains an entry for this variant (Variation ID: 1018682). Invitae Evidence Modeling of protein sequence and biophysical properties (such as structural, functional, and spatial information, amino acid conservation, physicochemical variation, residue mobility, and thermodynamic stability) indicates that this missense variant is not expected to disrupt RYR1 protein function with a negative predictive value of 80%. In summary, the available evidence is currently insufficient to determine the role of this variant in disease. Therefore, it has been classified as a Variant of Uncertain Significance.

All of Us Research Program, National Institutes of Health
Classification: Uncertain significance for Malignant hyperthermia, susceptibility to, 1. Last evaluated: 2024-08-13. Review status: criteria provided, single submitter. Criteria: ACMG Guidelines, 2015. Collection method: clinical testing. Allele origin: germline. Inheritance: Autosomal dominant inheritance. Observed: 1 variant allele, 1 heterozygote. Not counted in ClinVar's aggregate classification.
Comment: This missense variant replaces arginine with cysteine at codon 471 of the RYR1 protein, in a region considered to be a hotspot for pathogenic variants that contribute to malignant hyperthermia susceptibility (PMID: 21118704). Computational prediction is inconclusive regarding the impact of this variant on protein structure and function. To our knowledge, functional studies have not been reported for this variant. This variant has been reported in two families affected with malignant hyperthermia susceptibility; however, these families each carried a known pathogenic variant, p.Gly248Arg and p.Arg552Trp, that segregated with disease (PMID: 9138151, 1354642). This variant has been identified in 1/248190 chromosomes in the general population by the Genome Aggregation Database (gnomAD). The available evidence is insufficient to determine the role of this variant in disease conclusively. Therefore, this variant is classified as a Variant of Uncertain Significance.

This study involves interpretation of variants in research participants for the purpose of population health screening. Participant phenotype was not available at the time of variant classification. Additional details can be found in publication PMID: 35346344, PMCID: PMC8962531

Literature cited by the submitters: PubMed 32236737 (cited by Labcorp Genetics (formerly Invitae), Labcorp); PubMed 1354642 (cited by All of Us Research Program, National Institutes of Health); PubMed 9138151 (cited by All of Us Research Program, National Institutes of Health); PubMed 21118704 (cited by All of Us Research Program, National Institutes of Health).